The following is an entry in ClinVar:

ClinVar aggregate classification (germline): Uncertain significance. Review status: criteria provided, multiple submitters, no conflicts (2 of 4 stars). 3 submissions from 3 submitters: Uncertain significance (3). Last evaluated 2025-02-05.

Conditions:
Hypertrophic cardiomyopathy 4. Also called: Familial hypertrophic cardiomyopathy 4. Identifiers: MedGen C1861862, MONDO:0007268, OMIM 115197.
Left ventricular noncompaction 10 (LVNC10). Identifiers: Orphanet 154, Orphanet 54260, MedGen C3715165, MONDO:0014163, OMIM 615396.
Hypertrophic cardiomyopathy. Also called: HYPERTROPHIC MYOCARDIOPATHY. Identifiers: Orphanet 217569, MedGen C0007194, MeSH D002312, MONDO:0005045, HP:0001639.

Allele frequency attached by ClinVar (database versions not stated): gnomAD 0.00001.
gnomAD v4.1: 1 of 1,613,526 alleles (0.000062%); highest among the groups gnomAD compares: African/African-American, 0.0013%; no homozygotes.

Submissions (3):

GeneDx
Classification: Uncertain significance. Last evaluated: 2025-02-05. Review status: criteria provided, single submitter. Criteria: GeneDx Variant Classification Process June 2021. Collection method: clinical testing. Allele origin: germline. Affected: yes.
Comment: Not observed at significant frequency in large population cohorts (gnomAD); In silico analysis supports that this missense variant has a deleterious effect on protein structure/function; Has not been previously published as pathogenic or benign to our knowledge; This variant is associated with the following publications: (PMID: 27532257)

Fulgent Genetics
Classification: Uncertain significance for Hypertrophic cardiomyopathy 4; Left ventricular noncompaction 10. Last evaluated: 2021-09-20. Review status: criteria provided, single submitter. Criteria: ACMG Guidelines, 2015. Collection method: clinical testing. Allele origin: unknown.

Labcorp Genetics (formerly Invitae), Labcorp
Classification: Uncertain significance for Hypertrophic cardiomyopathy. Last evaluated: 2020-01-15. Review status: criteria provided, single submitter. Criteria: Invitae Variant Classification Sherloc (09022015). Collection method: clinical testing. Allele origin: germline.
Comment: This missense change has been observed in individual(s) with clinical features of hypertrophic cardiomyopathy (PMID: 27532257). Algorithms developed to predict the effect of missense changes on protein structure and function (SIFT, PolyPhen-2, Align-GVGD) all suggest that this variant is likely to be disruptive, but these predictions have not been confirmed by published functional studies and their clinical significance is uncertain. In summary, the available evidence is currently insufficient to determine the role of this variant in disease. Therefore, it has been classified as a Variant of Uncertain Significance. This variant is not present in population databases (ExAC no frequency). This sequence change replaces threonine with serine at codon 529 of the MYBPC3 protein (p.Thr529Ser). The threonine residue is highly conserved and there is a small physicochemical difference between threonine and serine.

Literature cited by the submitters: PubMed 27532257 (cited by Labcorp Genetics (formerly Invitae), Labcorp).

NM_000256.3(MYBPC3):c.1585A>T (p.Thr529Ser)

Gene: MYBPC3 (myosin binding protein C3; minus strand). Cytogenetic location: 11p11.2.
Variant type: single nucleotide variant.
Coding change: c.1585A>T on transcript NM_000256.3 (MANE Select); coding-DNA position 1585, A replaced by T.
Protein change: p.Thr529Ser; replaces threonine 529 with serine.
Molecular consequence: missense variant.
Genome position (GRCh38, 1-based): chr11:47,342,617, T>A on the plus strand (A>T on the coding strand, the complement: MYBPC3 is on the minus strand). VCF-style: chr11-47342617-T-A. GRCh37 (hg19) VCF-style: chr11-47364168-T-A.
Other names: short protein forms T529S.
Identifiers: ClinVar variation 1037338 (VCV001037338.10), dbSNP rs1165486681, ClinGen allele CA380325051.